The following is an entry in ClinVar:

ClinVar aggregate classification (germline): Likely benign (0 of 4 stars; one submission).

Conditions:
SEMA3F-related disorder. Also called: SEMA3F-related condition.

Allele frequency attached by ClinVar (database versions not stated): gnomAD 0.00003; TOPMed 0.00004; ExAC 0.00009; 1000 Genomes Project 30x 0.00016; 1000 Genomes Project 0.00020.
gnomAD v4.1: 38 of 1,613,848 alleles (0.0024%); highest among the groups gnomAD compares: East Asian, 0.018%; no homozygotes.

Submission:

PreventionGenetics, part of Exact Sciences
Classification: Likely benign for SEMA3F-related condition. Last evaluated: 2021-08-10. Review status: no assertion criteria provided. Collection method: clinical testing. Allele origin: germline.
Comment: This variant is classified as likely benign based on ACMG/AMP sequence variant interpretation guidelines (Richards et al. 2015 PMID: 25741868, with internal and published modifications).

NM_004186.5(SEMA3F):c.1227G>A (p.Pro409=)

Gene: SEMA3F (semaphorin 3F; plus strand). Cytogenetic location: 3p21.31.
Variant type: single nucleotide variant.
Coding change: c.1227G>A on transcript NM_004186.5 (MANE Select); coding-DNA position 1227, G replaced by A.
Protein change: p.Pro409=; no amino-acid change (proline 409 retained).
Molecular consequence: synonymous variant.
Genome position (GRCh38, 1-based): chr3:50,183,558, G>A. VCF-style: chr3-50183558-G-A. GRCh37 (hg19) VCF-style: chr3-50220991-G-A.
Other names: c.930G>A, p.Pro310= (NM_001318798.2); c.1134G>A, p.Pro378= (NM_001318800.2).
Identifiers: ClinVar variation 3039279 (VCV003039279.2), dbSNP rs201027529, ClinGen allele CA2412057.